The following is an entry in ClinVar:

NM_000116.5(TAFAZZIN):c.190A>C (p.Ile64Leu)

Gene: TAFAZZIN (tafazzin, phospholipid-lysophospholipid transacylase; plus strand). Cytogenetic location: Xq28.
Variant type: single nucleotide variant.
Coding change: c.190A>C on transcript NM_000116.5 (MANE Select); coding-DNA position 190, A replaced by C.
Protein change: p.Ile64Leu; replaces isoleucine 64 with leucine.
Molecular consequence: missense variant. On other transcripts: non-coding transcript variant (1).
Genome position (GRCh38, 1-based): chrX:154,412,166, A>C. VCF-style: chrX-154412166-A-C. GRCh37 (hg19) VCF-style: chrX-153640503-A-C.
Other names: c.244A>C, p.Ile82Leu (NM_001303465.2); c.190A>C, p.Ile64Leu (NM_181311.4, NM_181312.4, NM_181313.4); short protein forms I64L, I82L.
Identifiers: ClinVar variation 1035879 (VCV001035879.3), dbSNP rs1322365208, ClinGen allele CA415179859.

ClinVar aggregate classification (germline): Uncertain significance (1 of 4 stars; one submission).

Conditions:
3-Methylglutaconic aciduria type 2 (BTHS). Also called: Barth syndrome; CARDIOSKELETAL MYOPATHY WITH NEUTROPENIA AND ABNORMAL MITOCHONDRIA. Identifiers: Orphanet 111, MedGen C0574083, MONDO:0010543, OMIM 302060.

Submission:

Labcorp Genetics (formerly Invitae), Labcorp
Classification: Uncertain significance for 3-Methylglutaconic aciduria type 2. Last evaluated: 2020-06-07. Review status: criteria provided, single submitter. Criteria: Invitae Variant Classification Sherloc (09022015). Collection method: clinical testing. Allele origin: germline.
Comment: This sequence change replaces isoleucine with leucine at codon 64 of the TAZ protein (p.Ile64Leu). The isoleucine residue is moderately conserved and there is a small physicochemical difference between isoleucine and leucine. This variant is not present in population databases (ExAC no frequency). This variant has not been reported in the literature in individuals with TAZ-related conditions. Algorithms developed to predict the effect of missense changes on protein structure and function are either unavailable or do not agree on the potential impact of this missense change (SIFT: "Not Available"; PolyPhen-2: "Benign"; Align-GVGD: "Not Available"). In summary, the available evidence is currently insufficient to determine the role of this variant in disease. Therefore, it has been classified as a Variant of Uncertain Significance.